The following is an entry in ClinVar:

NM_006514.4(SCN10A):c.4327T>C (p.Tyr1443His)

Gene: SCN10A (sodium voltage-gated channel alpha subunit 10; minus strand). Cytogenetic location: 3p22.2.
Variant type: single nucleotide variant.
Coding change: c.4327T>C on transcript NM_006514.4 (MANE Select); coding-DNA position 4327, T replaced by C.
Protein change: p.Tyr1443His; replaces tyrosine 1443 with histidine.
Molecular consequence: missense variant.
Genome position (GRCh38, 1-based): chr3:38,707,338, A>G on the plus strand (T>C on the coding strand, the complement: SCN10A is on the minus strand). VCF-style: chr3-38707338-A-G. GRCh37 (hg19) VCF-style: chr3-38748829-A-G.
Other names: c.4324T>C, p.Tyr1442His (NM_001293306.2); c.4033T>C, p.Tyr1345His (NM_001293307.2); short protein forms Y1443H, Y1345H, Y1442H.
Identifiers: ClinVar variation 407756 (VCV000407756.9), dbSNP rs762798134, ClinGen allele CA2319933.

ClinVar aggregate classification (germline): Uncertain significance. Review status: criteria provided, multiple submitters, no conflicts (2 of 4 stars). 3 submissions from 3 submitters: Uncertain significance (3). Last evaluated 2025-08-16.

Conditions:
Brugada syndrome. Also called: Sudden unexpected nocturnal death syndrome; Sudden unexplained nocturnal death syndrome; Sudden Unexplained Death Syndrome; Sudden Unexplained Nocturnal Death Syndrome (SUNDS). Identifiers: Orphanet 130, MedGen C1142166, MONDO:0015263.
Cardiovascular phenotype. Identifiers: MedGen CN230736.

Allele frequency attached by ClinVar (database versions not stated): gnomAD 0.00001 and 0.00002; gnomAD exomes 0.00001; TOPMed 0.00001; ExAC 0.00002.
gnomAD v4.1: 13 of 1,614,124 alleles (0.00081%); highest among the groups gnomAD compares: East Asian, 0.016%; no homozygotes.

Submissions (3):

Labcorp Genetics (formerly Invitae), Labcorp
Classification: Uncertain significance for Brugada syndrome. Last evaluated: 2025-08-16. Review status: criteria provided, single submitter. Criteria: Invitae Variant Classification Sherloc (09022015). Collection method: clinical testing. Allele origin: germline.
Comment: This sequence change replaces tyrosine, which is neutral and polar, with histidine, which is basic and polar, at codon 1443 of the SCN10A protein (p.Tyr1443His). This variant is present in population databases (rs762798134, gnomAD 0.02%). This variant has not been reported in the literature in individuals affected with SCN10A-related conditions. ClinVar contains an entry for this variant (Variation ID: 407756). Invitae Evidence Modeling of protein sequence and biophysical properties (such as structural, functional, and spatial information, amino acid conservation, physicochemical variation, residue mobility, and thermodynamic stability) indicates that this missense variant is not expected to disrupt SCN10A protein function with a negative predictive value of 80%. In summary, the available evidence is currently insufficient to determine the role of this variant in disease. Therefore, it has been classified as a Variant of Uncertain Significance.

GeneDx
Classification: Uncertain significance. Last evaluated: 2025-04-10. Review status: criteria provided, single submitter. Criteria: GeneDx Variant Classification Process June 2021. Collection method: clinical testing. Allele origin: germline. Affected: yes.
Comment: Not observed at significant frequency in large population cohorts (gnomAD); In silico analysis supports that this missense variant has a deleterious effect on protein structure/function; Has not been previously published as pathogenic or benign to our knowledge

Ambry Genetics
Classification: Uncertain significance for Cardiovascular phenotype. Last evaluated: 2024-03-26. Review status: criteria provided, single submitter. Criteria: Ambry Variant Classification Scheme 2023. Collection method: clinical testing. Allele origin: germline.